The following is an entry in ClinVar:

NM_001144967.3(NEDD4L):c.513+5G>A

Gene: NEDD4L (NEDD4 like E3 ubiquitin protein ligase; plus strand). Cytogenetic location: 18q21.31.
Variant type: single nucleotide variant.
Coding change: c.513+5G>A on transcript NM_001144967.3 (MANE Select); 5 bases into the intron after coding-DNA position 513, G replaced by A.
Molecular consequence: intron variant.
Genome position (GRCh38, 1-based): chr18:58,323,339, G>A. VCF-style: chr18-58323339-G-A. GRCh37 (hg19) VCF-style: chr18-55990571-G-A.
Other names: c.513+5G>A (NM_015277.6, NM_001243960.2); c.150+5G>A (NM_001144964.1, NM_001144971.2, NM_001144965.2 and 2 more transcripts); c.489+5G>A (NM_001144968.2, NM_001144969.2).
Identifiers: ClinVar variation 2198736 (VCV002198736.4), dbSNP rs367608631, ClinGen allele CA8975364.

ClinVar aggregate classification (germline): Uncertain significance (1 of 4 stars; one submission).

Allele frequency attached by ClinVar (database versions not stated): TOPMed 0.00001; ExAC 0.00002; ESP Exome Variant Server 0.00008.
gnomAD v4.1: 6 of 1,500,240 alleles (0.0004%); highest among the groups gnomAD compares: African/African-American, 0.0027%; no homozygotes.

Submission:

Labcorp Genetics (formerly Invitae), Labcorp
Classification: Uncertain significance. Last evaluated: 2025-09-15. Review status: criteria provided, single submitter. Criteria: Invitae Variant Classification Sherloc (09022015). Collection method: clinical testing. Allele origin: germline.
Comment: This sequence change falls in intron 8 of the NEDD4L gene. It does not directly change the encoded amino acid sequence of the NEDD4L protein. It affects a nucleotide within the consensus splice site. The frequency data for this variant in the population databases is considered unreliable, as metrics indicate poor data quality at this position in the gnomAD database. This variant has not been reported in the literature in individuals affected with NEDD4L-related conditions. ClinVar contains an entry for this variant (Variation ID: 2198736). Variants that disrupt the consensus splice site are a relatively common cause of aberrant splicing (PMID: 17576681, 9536098). Algorithms developed to predict the effect of sequence changes on RNA splicing suggest that this variant is not likely to affect RNA splicing. In summary, the available evidence is currently insufficient to determine the role of this variant in disease. Therefore, it has been classified as a Variant of Uncertain Significance.

Literature cited by the submitters: PubMed 17576681; PubMed 9536098.